The following is an entry in ClinVar:

NM_007055.4(POLR3A):c.545A>G (p.Asn182Ser)

Gene: POLR3A (RNA polymerase III subunit A; minus strand). Cytogenetic location: 10q22.3.
Variant type: single nucleotide variant.
Coding change: c.545A>G on transcript NM_007055.4 (MANE Select); coding-DNA position 545, A replaced by G.
Protein change: p.Asn182Ser; replaces asparagine 182 with serine.
Molecular consequence: missense variant.
Genome position (GRCh38, 1-based): chr10:78,024,649, T>C on the plus strand (A>G on the coding strand, the complement: POLR3A is on the minus strand). VCF-style: chr10-78024649-T-C. GRCh37 (hg19) VCF-style: chr10-79784407-T-C.
Other names: short protein forms N182S.
Identifiers: ClinVar variation 1370700 (VCV001370700.4), dbSNP rs753280746, ClinGen allele CA5571665.

ClinVar aggregate classification (germline): Uncertain significance (1 of 4 stars; one submission).

Allele frequency attached by ClinVar (database versions not stated): ExAC 0.00002; gnomAD 0.00002; gnomAD exomes 0.00002 and 0.00004; TOPMed 0.00005.
gnomAD v4.1: 15 of 1,613,774 alleles (0.00093%); highest among the groups gnomAD compares: Admixed American, 0.025%; no homozygotes.

Submission:

Labcorp Genetics (formerly Invitae), Labcorp
Classification: Uncertain significance. Last evaluated: 2022-08-23. Review status: criteria provided, single submitter. Criteria: Invitae Variant Classification Sherloc (09022015). Collection method: clinical testing. Allele origin: germline.
Comment: This sequence change replaces asparagine, which is neutral and polar, with serine, which is neutral and polar, at codon 182 of the POLR3A protein (p.Asn182Ser). This variant is present in population databases (rs753280746, gnomAD 0.03%). This variant has not been reported in the literature in individuals affected with POLR3A-related conditions. ClinVar contains an entry for this variant (Variation ID: 1370700). Algorithms developed to predict the effect of missense changes on protein structure and function (SIFT, PolyPhen-2, Align-GVGD) all suggest that this variant is likely to be tolerated. In summary, the available evidence is currently insufficient to determine the role of this variant in disease. Therefore, it has been classified as a Variant of Uncertain Significance.